The following is an entry in ClinVar:

NM_000138.5(FBN1):c.8341C>G (p.Leu2781Val)

Gene: FBN1 (fibrillin 1; minus strand). Cytogenetic location: 15q21.1.
Variant type: single nucleotide variant.
Coding change: c.8341C>G on transcript NM_000138.5 (MANE Select); coding-DNA position 8341, C replaced by G.
Protein change: p.Leu2781Val; replaces leucine 2781 with valine.
Molecular consequence: missense variant.
Genome position (GRCh38, 1-based): chr15:48,411,265, G>C on the plus strand (C>G on the coding strand, the complement: FBN1 is on the minus strand). VCF-style: chr15-48411265-G-C. GRCh37 (hg19) VCF-style: chr15-48703462-G-C.
Other names: c.8341C>G, p.Leu2781Val (NM_001406716.1); short protein forms L2781V.
Identifiers: ClinVar variation 4758031 (VCV004758031.1).

ClinVar aggregate classification (germline): Uncertain significance (1 of 4 stars; one submission).

Conditions:
Familial thoracic aortic aneurysm and aortic dissection (TAAD). Also called: Thoracic aortic aneurysms and dissections. Identifiers: Orphanet 91387, MedGen C4707243, MONDO:0019625.

Submission:

Color Diagnostics, LLC DBA Color Health
Classification: Uncertain significance for Familial thoracic aortic aneurysm and aortic dissection. Last evaluated: 2025-08-30. Review status: criteria provided, single submitter. Criteria: ACMG Guidelines, 2015. Collection method: clinical testing. Allele origin: germline.
Comment: This missense variant replaces leucine with valine at codon 2781 of the FBN1 protein. Computational prediction suggests that this variant may not impact protein structure and function. To our knowledge, functional studies have not been reported for this variant. This variant has not been reported in individuals affected with FBN1-related disorders in the literature. This variant has not been identified in the general population by the Genome Aggregation Database (gnomAD). The available evidence is insufficient to determine the role of this variant in disease conclusively. Therefore, this variant is classified as a Variant of Uncertain Significance.